The following is an entry in ClinVar:

NC_000003.12:g.169764690T>C

Genes: TERC (telomerase RNA component; minus strand), LOC110806306 (telomerase RNA component (TERC) promoter; plus strand). Cytogenetic location: 3q26.2.
Variant type: single nucleotide variant.
Genome position: GRCh38 VCF-style: chr3-169764690-T-C. GRCh37 (hg19) VCF-style: chr3-169482478-T-C.
Identifiers: ClinVar variation 2744012 (VCV002744012.3), dbSNP rs755659962, ClinGen allele CA2696791.

ClinVar aggregate classification (germline): Uncertain significance (1 of 4 stars; one submission).

Conditions:
Dyskeratosis congenita, autosomal dominant 1 (DKCA1). Also called: Dyskeratosis congenita Scoggins type. Identifiers: Orphanet 1775, MedGen C4551974, MONDO:0007485, OMIM 127550. Inheritance: Variable.

Allele frequency attached by ClinVar (database versions not stated): gnomAD exomes below 0.00001; ExAC 0.00001.
gnomAD v4.1: 1 of 761,950 alleles (0.00013%); highest among the groups gnomAD compares: South Asian, 0.0013%; no homozygotes.

Submission:

Labcorp Genetics (formerly Invitae), Labcorp
Classification: Uncertain significance for Dyskeratosis congenita, autosomal dominant 1. Last evaluated: 2023-09-08. Review status: criteria provided, single submitter. Criteria: Invitae Variant Classification Sherloc (09022015). Collection method: clinical testing. Allele origin: germline.
Comment: This variant is located within the BoxH/ACA scaRNA domain of the TERC RNA component, which is required for telomerase activity (PMID: 21844345). This variant occurs in the TERC gene, which encodes an RNA molecule that does not result in a protein product. This variant is present in population databases (rs755659962, gnomAD 0.003%). This variant has not been reported in the literature in individuals affected with TERC-related conditions. Experimental studies and prediction algorithms are not available or were not evaluated, and the functional significance of this variant is currently unknown. In summary, the available evidence is currently insufficient to determine the role of this variant in disease. Therefore, it has been classified as a Variant of Uncertain Significance.

Literature cited by the submitters: PubMed 21844345.